The following is an entry in ClinVar:

ClinVar aggregate classification (germline): Likely benign (1 of 4 stars; one submission).

Allele frequency attached by ClinVar (database versions not stated): TOPMed below 0.00001; ExAC 0.00001; gnomAD 0.00001.
gnomAD v4.1: 13 of 1,585,740 alleles (0.00082%); highest among the groups gnomAD compares: East Asian, 0.0022%; no homozygotes.

Submission:

CeGaT Center for Human Genetics Tuebingen
Classification: Likely benign. Last evaluated: 2022-07-01. Review status: criteria provided, single submitter. Criteria: CeGaT Center For Human Genetics Tuebingen Variant Classification Criteria Version 2. Collection method: clinical testing. Allele origin: germline. Affected: yes. Observed: 1 variant allele.
Comment: XIRP1: BP4, BP7

NM_194293.4(XIRP1):c.2163C>T (p.Pro721=)

Gene: XIRP1 (xin actin binding repeat containing 1; minus strand). Cytogenetic location: 3p22.2.
Variant type: single nucleotide variant.
Coding change: c.2163C>T on transcript NM_194293.4 (MANE Select); coding-DNA position 2163, C replaced by T.
Protein change: p.Pro721=; no amino-acid change (proline 721 retained).
Molecular consequence: synonymous variant. On other transcripts: intron variant (1).
Genome position (GRCh38, 1-based): chr3:39,187,283, G>A on the plus strand (C>T on the coding strand, the complement: XIRP1 is on the minus strand). VCF-style: chr3-39187283-G-A. GRCh37 (hg19) VCF-style: chr3-39228774-G-A.
Other names: c.2163C>T, p.Pro721= (NM_001198621.4); c.-167-1622C>T (NM_001351377.2).
Identifiers: ClinVar variation 2653687 (VCV002653687.24), dbSNP rs764809845, ClinGen allele CA2326314.